The following is an entry in ClinVar:

NM_000432.4(MYL2):c.3+1G>A

Genes: MYL2 (myosin light chain 2; minus strand), LOC114827850 (VISTA enhancer hs2149; plus strand). Cytogenetic location: 12q24.11.
Variant type: single nucleotide variant.
Coding change: c.3+1G>A on transcript NM_000432.4 (MANE Select); the canonical splice donor site of the intron after coding-DNA position 3, G replaced by A.
Molecular consequence: splice donor variant. On other transcripts: intron variant (1).
Genome position (GRCh38, 1-based): chr12:110,920,526, C>T on the plus strand (G>A on the coding strand, the complement: MYL2 is on the minus strand). VCF-style: chr12-110920526-C-T. GRCh37 (hg19) VCF-style: chr12-111358330-C-T.
Other names: c.-55+863G>A (NM_001406916.1); c.3+1G>A (NM_001406745.1).
Identifiers: ClinVar variation 3065627 (VCV003065627.4), dbSNP rs730880948, ClinGen allele CA386700387.
Genomic context (GRCh38, chr12:110,920,526, plus strand): 5'-TGTAGTGGCTTCCTCTCCTCGCCCACCCGGCATCATCACCTCCTGGAGCCCTTGTACTCA[C>T]CATGGTGGAAAGGACCCAGCACTGCCTCCCGAGAAGAATTCCACACTCCGCCCAGCTCTC-3'

ClinVar aggregate classification (germline): Conflicting classifications of pathogenicity. Review status: criteria provided, conflicting classifications (1 of 4 stars). 3 submissions from 3 submitters: Likely pathogenic (1); Uncertain significance (2). Last evaluated 2025-08-15.

Conditions:
Hypertrophic cardiomyopathy 10. Also called: CARDIOMYOPATHY, HYPERTROPHIC, MID-LEFT VENTRICULAR CHAMBER TYPE, 2; MYL2-Related Familial Hypertrophic Cardiomyopathy. Identifiers: MedGen C1834460, MONDO:0012112, OMIM 608758.
Hypertrophic cardiomyopathy. Also called: HYPERTROPHIC MYOCARDIOPATHY. Identifiers: Orphanet 217569, MedGen C0007194, MeSH D002312, MONDO:0005045, HP:0001639.

Submissions (3):

Labcorp Genetics (formerly Invitae), Labcorp
Classification: Uncertain significance for Hypertrophic cardiomyopathy 10. Last evaluated: 2025-08-15. Review status: criteria provided, single submitter. Criteria: Invitae Variant Classification Sherloc (09022015). Collection method: clinical testing. Allele origin: germline.
Comment: This sequence change affects a donor splice site in intron 1 of the MYL2 gene. It is expected to disrupt RNA splicing. Variants that disrupt the donor or acceptor splice site typically lead to a loss of protein function (PMID: 16199547), however the current clinical and genetic evidence is not sufficient to establish whether loss-of-function variants in MYL2 cause disease. This variant is not present in population databases (gnomAD no frequency). This variant has not been reported in the literature in individuals affected with MYL2-related conditions. ClinVar contains an entry for this variant (Variation ID: 3065627). In summary, the available evidence is currently insufficient to determine the role of this variant in disease. Therefore, it has been classified as a Variant of Uncertain Significance.

Genomic Medicine Center of Excellence, King Faisal Specialist Hospital and Research Centre
Classification: Likely pathogenic for Hypertrophic cardiomyopathy 10. Last evaluated: 2024-03-29. Review status: criteria provided, single submitter. Criteria: ACMG Guidelines, 2015. Collection method: clinical testing. Allele origin: germline.

All of Us Research Program, National Institutes of Health
Classification: Uncertain significance for Hypertrophic cardiomyopathy. Last evaluated: 2023-06-26. Review status: criteria provided, single submitter. Criteria: ACMG Guidelines, 2015. Collection method: clinical testing. Allele origin: germline. Inheritance: Autosomal dominant inheritance. Observed: 1 variant allele, 1 heterozygote.
Comment: This variant causes a G to A nucleotide substitution at the +1 position of intron 1 of the MYL2 gene. Splice site prediction tools suggest that this variant may have a significant impact on RNA splicing. Although this prediction has not been confirmed in published RNA studies, this variant is expected to result in an absent or disrupted protein product. This variant has not been reported in individuals affected with MYL2-related disorders in the literature. Clinical relevance of loss-of-function MYL2 truncation and splice variants in autosomal dominant cardiovascular disorders is not clearly established. This variant has not been identified in the general population by the Genome Aggregation Database (gnomAD). The available evidence is insufficient to determine the role of this variant in disease conclusively. Therefore, this variant is classified as a Variant of Uncertain Significance.

This study involves interpretation of variants in research participants for the purpose of population health screening. Participant phenotype was not available at the time of variant classification. Additional details can be found in publication PMID: 35346344, PMCID: PMC8962531

Literature cited by the submitters: PubMed 16199547 (cited by Labcorp Genetics (formerly Invitae), Labcorp).